The following is an entry in ClinVar:

ClinVar aggregate classification (germline): Uncertain significance. Review status: criteria provided, multiple submitters, no conflicts (2 of 4 stars). 4 submissions from 4 submitters: Uncertain significance (3). 1 of the submissions does not count toward it. Last evaluated 2025-01-10.

Conditions:
Creatine deficiency syndrome 1.
Creatine transporter deficiency (CCDS1). Also called: CEREBRAL CREATINE DEFICIENCY SYNDROME 1; Mental retardation , X-linked with seizures, short stature and midface hypoplasia; Mental retardation , X-linked, with creatine transport deficiency; X-linked creatine transporter deficiency; X-linked creatine deficiency syndrome; SLC6A8-Related Creatine Transporter Deficiency. Identifiers: Orphanet 52503, MedGen C1845862, MONDO:0010305, OMIM 300352.
Inborn genetic diseases. Identifiers: MedGen C0950123, MeSH D030342.

Submissions (4):

Ambry Genetics
Classification: Uncertain significance for Inborn genetic diseases. Last evaluated: 2025-01-10. Review status: criteria provided, single submitter. Criteria: Ambry Variant Classification Scheme 2023. Collection method: clinical testing. Allele origin: germline.

GeneDx
Classification: Uncertain significance. Last evaluated: 2021-10-19. Review status: criteria provided, single submitter. Criteria: GeneDx Variant Classification Process June 2021. Collection method: clinical testing. Allele origin: germline. Affected: yes.
Comment: Not observed at significant frequency in large population cohorts (Lek et al., 2016); In silico analysis, which includes protein predictors and evolutionary conservation, supports a deleterious effect; Has not been previously published as pathogenic or benign to our knowledge

Labcorp Genetics (formerly Invitae), Labcorp
Classification: Uncertain significance for Creatine transporter deficiency. Last evaluated: 2021-09-02. Review status: criteria provided, single submitter. Criteria: Invitae Variant Classification Sherloc (09022015). Collection method: clinical testing. Allele origin: germline.
Comment: This sequence change replaces isoleucine with phenylalanine at codon 445 of the SLC6A8 protein (p.Ile445Phe). The isoleucine residue is highly conserved and there is a small physicochemical difference between isoleucine and phenylalanine. This variant is not present in population databases (ExAC no frequency). This variant has not been reported in the literature in individuals affected with SLC6A8-related conditions. Algorithms developed to predict the effect of missense changes on protein structure and function are either unavailable or do not agree on the potential impact of this missense change (SIFT: "Deleterious"; PolyPhen-2: "Possibly Damaging"; Align-GVGD: "Class C0"). In summary, the available evidence is currently insufficient to determine the role of this variant in disease. Therefore, it has been classified as a Variant of Uncertain Significance.

Natera, Inc.
Classification: Uncertain significance for Creatine deficiency syndrome 1. Last evaluated: 2020-01-30. Review status: no assertion criteria provided. Collection method: clinical testing. Allele origin: germline. Not counted in ClinVar's aggregate classification.

NM_005629.4(SLC6A8):c.1333A>T (p.Ile445Phe)

Gene: SLC6A8 (solute carrier family 6 member 8; plus strand). Cytogenetic location: Xq28.
Variant type: single nucleotide variant.
Coding change: c.1333A>T on transcript NM_005629.4 (MANE Select); coding-DNA position 1333, A replaced by T.
Protein change: p.Ile445Phe; replaces isoleucine 445 with phenylalanine.
Molecular consequence: missense variant.
Genome position (GRCh38, 1-based): chrX:153,694,208, A>T. VCF-style: chrX-153694208-A-T. GRCh37 (hg19) VCF-style: chrX-152959663-A-T.
Other names: c.1303A>T, p.Ile435Phe (NM_001142805.2); c.988A>T, p.Ile330Phe (NM_001142806.1); short protein forms I330F, I435F, I445F.
Identifiers: ClinVar variation 1006805 (VCV001006805.9), dbSNP rs2091474639, ClinGen allele CA415086872.